The following is an entry in ClinVar:

ClinVar aggregate classification (germline): Uncertain significance. Review status: criteria provided, multiple submitters, no conflicts (2 of 4 stars). 3 submissions from 3 submitters: Uncertain significance (3). Last evaluated 2025-07-16.

Conditions:
Hereditary cancer-predisposing syndrome. Also called: Tumor predisposition; Hereditary Cancer Syndrome; Hereditary neoplastic syndrome; Neoplastic Syndromes, Hereditary. Identifiers: Orphanet 140162, MedGen C0027672, MeSH D009386, MONDO:0015356.
Hereditary nonpolyposis colorectal neoplasms. Identifiers: MedGen C0009405, MeSH D003123.

Allele frequency attached by ClinVar (database versions not stated): gnomAD exomes below 0.00001.
gnomAD v4.1: 4 of 1,614,194 alleles (0.00025%); highest among the groups gnomAD compares: Non-Finnish European, 0.00034%; no homozygotes.

Submissions (3):

Ambry Genetics
Classification: Uncertain significance for Hereditary cancer-predisposing syndrome. Last evaluated: 2025-07-16. Review status: criteria provided, single submitter. Criteria: Ambry Variant Classification Scheme 2023. Collection method: clinical testing. Allele origin: germline.
Comment: The p.V734E variant (also known as c.2201T>A), located in coding exon 4 of the MSH6 gene, results from a T to A substitution at nucleotide position 2201. The valine at codon 734 is replaced by glutamic acid, an amino acid with dissimilar properties. This amino acid position is highly conserved in available vertebrate species. In addition, this alteration is predicted to be deleterious by in silico analysis. Since supporting evidence is limited at this time, the clinical significance of this alteration remains unclear.

Color Diagnostics, LLC DBA Color Health
Classification: Uncertain significance for Hereditary cancer-predisposing syndrome. Last evaluated: 2025-07-04. Review status: criteria provided, single submitter. Criteria: ACMG Guidelines, 2015. Collection method: clinical testing. Allele origin: germline.
Comment: This missense variant replaces valine with glutamic acid at codon 734 of the MSH6 protein. Computational prediction suggests that this variant may have deleterious impact on protein structure and function. To our knowledge, functional studies have not been reported for this variant. This variant has been reported in an individual affected with breast cancer (PMID: 32957588). This variant has not been identified in the general population by the Genome Aggregation Database (gnomAD). The available evidence is insufficient to determine the role of this variant in disease conclusively. Therefore, this variant is classified as a Variant of Uncertain Significance.

Labcorp Genetics (formerly Invitae), Labcorp
Classification: Uncertain significance for Hereditary nonpolyposis colorectal neoplasms. Last evaluated: 2024-03-06. Review status: criteria provided, single submitter. Criteria: Invitae Variant Classification Sherloc (09022015). Collection method: clinical testing. Allele origin: germline.
Comment: This sequence change replaces valine, which is neutral and non-polar, with glutamic acid, which is acidic and polar, at codon 734 of the MSH6 protein (p.Val734Glu). This variant is not present in population databases (gnomAD no frequency). This variant has not been reported in the literature in individuals affected with MSH6-related conditions. ClinVar contains an entry for this variant (Variation ID: 410409). Advanced modeling of protein sequence and biophysical properties (such as structural, functional, and spatial information, amino acid conservation, physicochemical variation, residue mobility, and thermodynamic stability) has been performed at Invitae for this missense variant, however the output from this modeling did not meet the statistical confidence thresholds required to predict the impact of this variant on MSH6 protein function. In summary, the available evidence is currently insufficient to determine the role of this variant in disease. Therefore, it has been classified as a Variant of Uncertain Significance.

Literature cited by the submitters: PubMed 32957588 (cited by Color Diagnostics, LLC DBA Color Health).

NM_000179.3(MSH6):c.2201T>A (p.Val734Glu)

Gene: MSH6 (mutS homolog 6; plus strand). Cytogenetic location: 2p16.3.
Variant type: single nucleotide variant.
Coding change: c.2201T>A on transcript NM_000179.3 (MANE Select); coding-DNA position 2201, T replaced by A.
Protein change: p.Val734Glu; replaces valine 734 with glutamic acid.
Molecular consequence: missense variant.
Genome position (GRCh38, 1-based): chr2:47,800,184, T>A. VCF-style: chr2-47800184-T-A. GRCh37 (hg19) VCF-style: chr2-48027323-T-A.
Other names: c.1811T>A, p.Val604Glu (NM_001281492.2); c.1295T>A, p.Val432Glu (NM_001281493.2, NM_001281494.2); short protein forms V734E, V604E, V432E.
Identifiers: ClinVar variation 410409 (VCV000410409.20), dbSNP rs1060502883, ClinGen allele CA16611143.
Genomic context (GRCh38, chr2:47,800,184, plus strand): 5'-CTGACACAGTCAGCACTACAAGATCTGGTGCTATCTTCACCAAAGCCTATCAACGAATGG[T>A]GCTAGATGCAGTGACATTAAACAACTTGGAGATTTTTCTGAATGGAACAAATGGTTCTAC-3'
Protein context (NP_000170.1, residues 724-744): AIFTKAYQRM[Val734Glu]LDAVTLNNLE